The following is an entry in ClinVar:

NM_020937.4(FANCM):c.2140C>A (p.Gln714Lys)

Gene: FANCM (FA complementation group M; plus strand). Cytogenetic location: 14q21.2.
Variant type: single nucleotide variant.
Coding change: c.2140C>A on transcript NM_020937.4 (MANE Select); coding-DNA position 2140, C replaced by A.
Protein change: p.Gln714Lys; replaces glutamine 714 with lysine.
Molecular consequence: missense variant.
Genome position (GRCh38, 1-based): chr14:45,170,726, C>A. VCF-style: chr14-45170726-C-A. GRCh37 (hg19) VCF-style: chr14-45639929-C-A.
Other names: c.2062C>A, p.Gln688Lys (NM_001308133.2); short protein forms Q688K, Q714K.
Identifiers: ClinVar variation 1698331 (VCV001698331.4), dbSNP rs1291848804, ClinGen allele CA389596337.
Genomic context (GRCh38, chr14:45,170,726, plus strand): 5'-TTAAGGGACAGTGATGAAATTAAAGAGATAACATTGCCTCAAGTTCAGTTTTCTTCTTTA[C>A]AAAATGAGGAAAACAAACCAGTAAGTTGAATATATTTTCAGATGTTCTTTTCCCCCCCCT-3'
Protein context (NP_065988.1, residues 704-724): TLPQVQFSSL[Gln714Lys]NEENKPAQES

ClinVar aggregate classification (germline): Uncertain significance. Review status: criteria provided, multiple submitters, no conflicts (2 of 4 stars). 2 submissions from 2 submitters: Uncertain significance (2). Last evaluated 2025-04-04.

Conditions:
Inborn genetic diseases. Identifiers: MedGen C0950123, MeSH D030342.

Allele frequency attached by ClinVar (database versions not stated): TOPMed 0.00001.

Submissions (2):

Ambry Genetics
Classification: Uncertain significance for Inborn genetic diseases. Last evaluated: 2025-04-04. Review status: criteria provided, single submitter. Criteria: Ambry Variant Classification Scheme 2023. Collection method: clinical testing. Allele origin: germline.
Comment: The p.Q714K variant (also known as c.2140C>A), located in coding exon 12 of the FANCM gene, results from a C to A substitution at nucleotide position 2140. The glutamine at codon 714 is replaced by lysine, an amino acid with similar properties. This amino acid position is conserved. In addition, this alteration is predicted to be tolerated by in silico analysis. Based on the available evidence, the clinical significance of this variant remains unclear.

GeneDx
Classification: Uncertain significance. Last evaluated: 2024-01-03. Review status: criteria provided, single submitter. Criteria: GeneDx Variant Classification Process June 2021. Collection method: clinical testing. Allele origin: germline.
Comment: Not observed at significant frequency in large population cohorts (gnomAD); In silico analysis supports that this missense variant does not alter protein structure/function; Has not been previously published as pathogenic or benign to our knowledge